The following is an entry in ClinVar:

ClinVar aggregate classification (germline): Uncertain significance (1 of 4 stars; one submission).

Conditions:
Cardiovascular phenotype. Identifiers: MedGen CN230736.

Allele frequency attached by ClinVar (database versions not stated): TOPMed 0.00002; gnomAD 0.00003; gnomAD exomes 0.00004.
gnomAD v4.1: 66 of 1,611,398 alleles (0.0041%); highest among the groups gnomAD compares: Non-Finnish European, 0.005%; no homozygotes.

Submission:

Ambry Genetics
Classification: Uncertain significance for Cardiovascular phenotype. Last evaluated: 2019-02-16. Review status: criteria provided, single submitter. Criteria: Ambry Variant Classification Scheme 2023. Collection method: clinical testing. Allele origin: germline.
Comment: The p.N23074S variant (also known as c.69221A>G), located in coding exon 174 of the TTN gene, results from an A to G substitution at nucleotide position 69221. The asparagine at codon 23074 is replaced by serine, an amino acid with highly similar properties. This amino acid position is highly conserved in available vertebrate species. In addition, this alteration is predicted to be tolerated by in silico analysis. Since supporting evidence is limited at this time, the clinical significance of this alteration remains unclear.

NM_001267550.2(TTN):c.96416A>G (p.Asn32139Ser)

Genes: TTN (titin; minus strand), TTN-AS1 (TTN antisense RNA 1; plus strand), LOC126806421 (CDK7 strongly-dependent group 2 enhancer GRCh37_chr2:179407630-179408829; plus strand). Cytogenetic location: 2q31.2.
Variant type: single nucleotide variant.
Coding change: c.96416A>G on transcript NM_001267550.2 (MANE Select); coding-DNA position 96416, A replaced by G.
Protein change: p.Asn32139Ser; replaces asparagine 32139 with serine.
Molecular consequence: missense variant.
Genome position (GRCh38, 1-based): chr2:178,543,557, T>C on the plus strand (A>G on the coding strand, the complement: TTN is on the minus strand). VCF-style: chr2-178543557-T-C. GRCh37 (hg19) VCF-style: chr2-179408284-T-C.
Other names: c.91493A>G, p.Asn30498Ser (NM_001256850.1); c.69221A>G, p.Asn23074Ser (NM_003319.4); c.88712A>G, p.Asn29571Ser (NM_133378.4); c.69596A>G, p.Asn23199Ser (NM_133432.3); c.69797A>G, p.Asn23266Ser (NM_133437.4); short protein forms N23266S, N30498S, N32139S, N23074S, N23199S, N29571S.
Identifiers: ClinVar variation 1756176 (VCV001756176.2), dbSNP rs878960097, ClinGen allele CA60970052.